The following is an entry in ClinVar:

NM_001099922.3(ALG13):c.1293A>G (p.Pro431=)

Gene: ALG13 (ALG13 UDP-N-acetylglucosaminyltransferase subunit; plus strand). Cytogenetic location: Xq23.
Variant type: single nucleotide variant.
Coding change: c.1293A>G on transcript NM_001099922.3 (MANE Select); coding-DNA position 1293, A replaced by G.
Protein change: p.Pro431=; no amino-acid change (proline 431 retained).
Molecular consequence: synonymous variant. On other transcripts: non-coding transcript variant (1).
Genome position (GRCh38, 1-based): chrX:111,720,137, A>G. VCF-style: chrX-111720137-A-G. GRCh37 (hg19) VCF-style: chrX-110963365-A-G.
Other names: p.Pro431=; c.981A>G, p.Pro327= (NM_001257230.2, NM_001257234.2, NM_001257237.2 and 1 more transcripts); c.1059A>G, p.Pro353= (NM_001257231.2); c.1293A>G, p.Pro431= (NM_001324292.2).
Identifiers: ClinVar variation 380439 (VCV000380439.18), dbSNP rs7063657, ClinGen allele CA10493688.

ClinVar aggregate classification (germline): Benign. Review status: criteria provided, multiple submitters, no conflicts (2 of 4 stars). 7 submissions from 7 submitters: Benign (7). Last evaluated 2026-02-03.

Conditions:
Inborn genetic diseases. Identifiers: MedGen C0950123, MeSH D030342.
Developmental and epileptic encephalopathy, 36 (DEE36). Also called: ALG13-CDG; Epileptic encephalopathy, early infantile, 36; Congenital disorder of glycosylation, type Is. Identifiers: Orphanet 324422, MedGen C4317295, MONDO:0010472, OMIM 300884.

Allele frequency attached by ClinVar (database versions not stated): gnomAD exomes 0.01336 and 0.03012; ExAC 0.06425; gnomAD 0.10222 and 0.10892; 1000 Genomes Project 0.10967; 1000 Genomes Project 30x 0.11467; ESP Exome Variant Server 0.11598; TOPMed 0.11806.
gnomAD v4.1: 26,506 of 1,192,281 alleles (2.2%); highest among the groups gnomAD compares: African/African-American, 35%; 2,654 homozygotes.

Submissions (7):

Labcorp Genetics (formerly Invitae), Labcorp
Classification: Benign for Developmental and epileptic encephalopathy, 36. Last evaluated: 2026-02-03. Review status: criteria provided, single submitter. Criteria: Invitae Variant Classification Sherloc (09022015). Collection method: clinical testing. Allele origin: germline.

Athena Diagnostics
Classification: Benign. Last evaluated: 2024-06-04. Review status: criteria provided, single submitter. Criteria: Athena Diagnostics Criteria. Collection method: clinical testing. Allele origin: unknown.

Genome-Nilou Lab
Classification: Benign for Developmental and epileptic encephalopathy, 36. Last evaluated: 2021-12-05. Review status: criteria provided, single submitter. Criteria: ACMG Guidelines, 2015. Collection method: clinical testing. Allele origin: germline. Affected: no.

Mayo Clinic Laboratories, Mayo Clinic
Classification: Benign. Last evaluated: 2018-04-10. Review status: criteria provided, single submitter. Criteria: ACMG Guidelines, 2015. Collection method: clinical testing. Allele origin: germline. Observed: 54 variant alleles.

Ambry Genetics
Classification: Benign for Inborn genetic diseases. Last evaluated: 2016-03-17. Review status: criteria provided, single submitter. Criteria: Ambry Variant Classification Scheme 2023. Collection method: clinical testing. Allele origin: germline.

GeneDx
Classification: Benign. Last evaluated: 2015-12-10. Review status: criteria provided, single submitter. Criteria: GeneDx Variant Classification (06012015). Collection method: clinical testing. Allele origin: germline. Affected: yes.
Comment: This variant is considered likely benign or benign based on one or more of the following criteria: it is a conservative change, it occurs at a poorly conserved position in the protein, it is predicted to be benign by multiple in silico algorithms, and/or has population frequency not consistent with disease.

Breakthrough Genomics
Classification: Benign. Review status: criteria provided, single submitter. Criteria: ACMG Guidelines, 2015. Collection method: not provided. Allele origin: germline. Inheritance: X-linked inheritance. Affected: yes.